The following is an entry in ClinVar:

ClinVar aggregate classification (germline): Uncertain significance. Review status: criteria provided, multiple submitters, no conflicts (2 of 4 stars). 2 submissions from 2 submitters: Uncertain significance (2). Last evaluated 2024-03-11.

Allele frequency attached by ClinVar (database versions not stated): gnomAD exomes below 0.00001; TOPMed 0.00001.

Submissions (2):

Blueprint Genetics
Classification: Uncertain significance. Last evaluated: 2024-03-11. Review status: criteria provided, single submitter. Criteria: ACMG Guidelines, 2015. Collection method: clinical testing. Allele origin: germline.

Labcorp Genetics (formerly Invitae), Labcorp
Classification: Uncertain significance. Last evaluated: 2020-08-20. Review status: criteria provided, single submitter. Criteria: Invitae Variant Classification Sherloc (09022015). Collection method: clinical testing. Allele origin: germline.
Comment: This variant is not present in population databases (ExAC no frequency). This sequence change replaces glycine with serine at codon 136 of the ROM1 protein (p.Gly136Ser). The glycine residue is highly conserved and there is a small physicochemical difference between glycine and serine. This variant has not been reported in the literature in individuals with ROM1-related conditions. In summary, the available evidence is currently insufficient to determine the role of this variant in disease. Therefore, it has been classified as a Variant of Uncertain Significance. Algorithms developed to predict the effect of missense changes on protein structure and function (SIFT, PolyPhen-2, Align-GVGD) all suggest that this variant is likely to be disruptive, but these predictions have not been confirmed by published functional studies and their clinical significance is uncertain.

NM_000327.4(ROM1):c.406G>A (p.Gly136Ser)

Gene: ROM1 (retinal outer segment membrane protein 1; plus strand). Cytogenetic location: 11q12.3.
Variant type: single nucleotide variant.
Coding change: c.406G>A on transcript NM_000327.4 (MANE Select); coding-DNA position 406, G replaced by A.
Protein change: p.Gly136Ser; replaces glycine 136 with serine.
Molecular consequence: missense variant.
Genome position (GRCh38, 1-based): chr11:62,613,687, G>A. VCF-style: chr11-62613687-G-A. GRCh37 (hg19) VCF-style: chr11-62381159-G-A.
Other names: short protein forms G136S.
Identifiers: ClinVar variation 999326 (VCV000999326.9), dbSNP rs1942955284, ClinGen allele CA380969663.
Genomic context (GRCh38, chr11:62,613,687, plus strand): 5'-GTCGTCGGCCTCGGGCTAGCCCTGGCTTTGCCTGGGAGTCTGGATGAGGCGCTGGAGGAG[G>A]GCCTGGTGACTGCCTTGGCTCACTACAAGGACACAGAGGTGCCTGGGCACTGTCAGGCCA-3'
Protein context (NP_000318.2, residues 126-146): PGSLDEALEE[Gly136Ser]LVTALAHYKD